The following is an entry in ClinVar:

NM_002381.5(MATN3):c.851A>G (p.Glu284Gly)

Genes: MATN3 (matrilin 3; minus strand), WDR35-DT (WDR35 divergent transcript; plus strand). Cytogenetic location: 2p24.1.
Variant type: single nucleotide variant.
Coding change: c.851A>G on transcript NM_002381.5 (MANE Select); coding-DNA position 851, A replaced by G.
Protein change: p.Glu284Gly; replaces glutamic acid 284 with glycine.
Molecular consequence: missense variant.
Genome position (GRCh38, 1-based): chr2:20,003,226, T>C on the plus strand (A>G on the coding strand, the complement: MATN3 is on the minus strand). VCF-style: chr2-20003226-T-C. GRCh37 (hg19) VCF-style: chr2-20202987-T-C.
Other names: short protein forms E284G.
Identifiers: ClinVar variation 1509102 (VCV001509102.8), dbSNP rs1213234987, ClinGen allele CA345950200.
Genomic context (GRCh38, chr2:20,003,226, plus strand): 5'-CACGTTTTCTTGTCGGCATTCAAGGTGTATCCTTGGCTACACTCACAGTGGTGCTTGCCT[T>C]CCCCATCACTGATGCAGACGTGCTGGCACTGGTGTGTTCCAAGCACACAGGGGTCCAGCG-3'
Protein context (NP_002372.1, residues 274-294): QCQHVCISDG[Glu284Gly]GKHHCECSQG

ClinVar aggregate classification (germline): Uncertain significance (1 of 4 stars; one submission).

Submission:

Labcorp Genetics (formerly Invitae), Labcorp
Classification: Uncertain significance. Last evaluated: 2021-02-12. Review status: criteria provided, single submitter. Criteria: Invitae Variant Classification Sherloc (09022015). Collection method: clinical testing. Allele origin: germline.
Comment: In summary, the available evidence is currently insufficient to determine the role of this variant in disease. Therefore, it has been classified as a Variant of Uncertain Significance. Algorithms developed to predict the effect of missense changes on protein structure and function output the following: SIFT: "Deleterious"; PolyPhen-2: "Benign"; Align-GVGD: "Class C0". The glycine amino acid residue is found in multiple mammalian species, suggesting that this missense change does not adversely affect protein function. These predictions have not been confirmed by published functional studies and their clinical significance is uncertain. This variant has not been reported in the literature in individuals with MATN3-related conditions. This variant is not present in population databases (ExAC no frequency). This sequence change replaces glutamic acid with glycine at codon 284 of the MATN3 protein (p.Glu284Gly). The glutamic acid residue is weakly conserved and there is a moderate physicochemical difference between glutamic acid and glycine.